The following is an entry in ClinVar:

NM_000340.2(SLC2A2):c.*486T>C

Gene: SLC2A2 (solute carrier family 2 member 2; minus strand). Cytogenetic location: 3q26.2.
Variant type: single nucleotide variant.
Coding change: c.*486T>C on transcript NM_000340.2 (MANE Select); 486 bases downstream of the stop codon, T replaced by C.
Molecular consequence: 3 prime UTR variant.
Genome position (GRCh38, 1-based): chr3:170,997,417, A>G on the plus strand (T>C on the coding strand, the complement: SLC2A2 is on the minus strand). VCF-style: chr3-170997417-A-G. GRCh37 (hg19) VCF-style: chr3-170715206-A-G.
Other names: c.*486T>C (NM_001278658.2, NM_001278659.2).
Identifiers: ClinVar variation 344149 (VCV000344149.5), dbSNP rs566222124, ClinGen allele CA10617986.

ClinVar aggregate classification (germline): Likely benign (1 of 4 stars; one submission).

Conditions:
Fanconi-Bickel syndrome (FBS). Also called: HEPATIC GLYCOGENOSIS WITH FANCONI NEPHROPATHY; HEPATORENAL GLYCOGENOSIS WITH RENAL FANCONI SYNDROME; PSEUDO-PHLORIZIN DIABETES; Glycogen storage disease due to GLUT2 deficiency; FANCONI SYNDROME WITH INTESTINAL MALABSORPTION AND GALACTOSE INTOLERANCE; HEPATIC GLYCOGENOSIS WITH AMINO ACIDURIA AND GLUCOSURIA. Identifiers: Orphanet 2088, MedGen C3495427, MONDO:0009216, OMIM 227810.

Allele frequency attached by ClinVar (database versions not stated): gnomAD exomes 0.00034; gnomAD 0.00047 and 0.00048; TOPMed 0.00050; 1000 Genomes Project 0.00060; 1000 Genomes Project 30x 0.00062.

Submission:

Illumina Laboratory Services, Illumina
Classification: Likely benign for Fanconi-Bickel syndrome. Last evaluated: 2018-01-13. Review status: criteria provided, single submitter. Criteria: ICSL Variant Classification Criteria 13 December 2019. Collection method: clinical testing. Allele origin: germline.
Comment: This variant was observed in the ICSL laboratory as part of a predisposition screen in an ostensibly healthy population. It had not been previously curated by ICSL or reported in the Human Gene Mutation Database (HGMD: prior to June 1st, 2018), and was therefore a candidate for classification through an automated scoring system. Utilizing variant allele frequency, disease prevalence and penetrance estimates, and inheritance mode, an automated score was calculated to assess if this variant is too frequent to cause the disease. Based on the score and internal cut-off values, a variant classified as likely benign is not then subjected to further curation. The score for this variant resulted in a classification of likely benign for this disease.